The following is an entry in ClinVar:

NM_007294.4(BRCA1):c.2729A>C (p.Gln910Pro)

Gene: BRCA1 (BRCA1 DNA repair associated; minus strand). Cytogenetic location: 17q21.31.
Variant type: single nucleotide variant.
Coding change: c.2729A>C on transcript NM_007294.4 (MANE Select); coding-DNA position 2729, A replaced by C.
Protein change: p.Gln910Pro; replaces glutamine 910 with proline.
Molecular consequence: missense variant. On other transcripts: intron variant (137).
Genome position (GRCh38, 1-based): chr17:43,092,802, T>G on the plus strand (A>C on the coding strand, the complement: BRCA1 is on the minus strand). VCF-style: chr17-43092802-T-G. GRCh37 (hg19) VCF-style: chr17-41244819-T-G.
Other names: c.578-1770A>C (NM_001408481.1, NM_001408480.1, NM_001408492.1 and 9 more transcripts); c.779-1770A>C (NM_001408408.1); c.662-1770A>C (NM_001408446.1, NM_001408435.1, NM_001408448.1 and 6 more transcripts); c.785-1770A>C (NM_001408401.1, NM_001408396.1, NM_001407985.1 and 13 more transcripts); c.548-1770A>C (NM_001408494.1); c.665-1770A>C (NM_001408444.1, NM_001408438.1, NM_001408430.1 and 12 more transcripts); c.671-1770A>C (NM_001408423.1, NM_001408420.1, NM_001408419.1 and 2 more transcripts); c.647-1770A>C (NM_001408459.1, NM_001408458.1, NM_001408469.1 and 11 more transcripts); and 41 more; short protein forms Q783P, Q843P, Q910P, Q822P, Q842P, Q868P, Q883P, Q907P.
Identifiers: ClinVar variation 5033200 (VCV005033200.1).

ClinVar aggregate classification (germline): Uncertain significance (1 of 4 stars; one submission).

Conditions:
Hereditary cancer-predisposing syndrome. Also called: Neoplastic Syndromes, Hereditary; Tumor predisposition; Hereditary neoplastic syndrome; Hereditary Cancer Syndrome. Identifiers: Orphanet 140162, MedGen C0027672, MeSH D009386, MONDO:0015356.

Submission:

Ambry Genetics
Classification: Uncertain significance for Hereditary cancer-predisposing syndrome. Last evaluated: 2026-08-03. Review status: criteria provided, single submitter. Criteria: Ambry Variant Classification Scheme 2023. Collection method: clinical testing. Allele origin: germline.
Comment: The p.Q910P variant (also known as c.2729A>C), located in coding exon 9 of the BRCA1 gene, results from an A to C substitution at nucleotide position 2729. The glutamine at codon 910 is replaced by proline, an amino acid with similar properties. This amino acid position is conserved. In addition, this alteration is predicted to be tolerated by in silico analysis. Based on the available evidence, the clinical significance of this variant remains unclear.